The following is an entry in ClinVar:

ClinVar aggregate classification (germline): Uncertain significance (1 of 4 stars; one submission).

Allele frequency attached by ClinVar (database versions not stated): gnomAD exomes below 0.00001.
gnomAD v4.1: 2 of 1,614,070 alleles (0.00012%); highest among the groups gnomAD compares: South Asian, 0.0011%; no homozygotes.

Submission:

GeneDx
Classification: Uncertain significance. Last evaluated: 2014-08-28. Review status: criteria provided, single submitter. Criteria: GeneDx Variant Classification (06012015). Collection method: clinical testing. Allele origin: germline. Affected: yes.
Comment: p.Gly187Gly (GGC>GGT): c.561 C>T in exon 5 of the CTSD gene (NM_001909.4). A variant of unknown significance has been identified in the CTSD gene. The c.561 C>T variant has not been published as a mutation, nor has it been reported as a benign polymorphism to our knowledge. It was not observed in approximately 6,500 individuals of European and African American ancestry in the NHLBI Exome Sequencing Project, indicating it is not a common benign variant in these populations. Multiple in silico models predict that the c.561 C>T substitution could potentially create a new cryptic splice donor site that may supplant the natural site in exon 5 and lead to abnormal splicing. However, in the absence of RNA/functional studies, the actual effect of the c.561 C>T sequence change is unknown. Therefore, based on the currently available information, it is unclear whether this variant is a pathogenic mutation or a rare benign variant. The variant is found in CHILD-EPI,EPILEPSY panel(s).

NM_001909.5(CTSD):c.561C>T (p.Gly187=)

Gene: CTSD (cathepsin D; minus strand). Cytogenetic location: 11p15.5.
Variant type: single nucleotide variant.
Coding change: c.561C>T on transcript NM_001909.5 (MANE Select); coding-DNA position 561, C replaced by T.
Protein change: p.Gly187=; no amino-acid change (glycine 187 retained).
Molecular consequence: synonymous variant.
Genome position (GRCh38, 1-based): chr11:1,757,467, G>A on the plus strand (C>T on the coding strand, the complement: CTSD is on the minus strand). VCF-style: chr11-1757467-G-A. GRCh37 (hg19) VCF-style: chr11-1778697-G-A.
Other names: p.G187G:GGC>GGT.
Identifiers: ClinVar variation 205356 (VCV000205356.2), dbSNP rs796052405, ClinGen allele CA314354.